The following is an entry in ClinVar:

NC_000007.13:g.(?_75677423)_(75696827_?)dup

Gene: MDH2 (malate dehydrogenase 2; plus strand). Cytogenetic location: 7q11.23.
Variant type: Duplication.
Identifiers: ClinVar variation 4847871 (VCV004847871.1).

ClinVar aggregate classification (germline): Uncertain significance (1 of 4 stars; one submission).

Submission:

Women's Health and Genetics/Laboratory Corporation of America, LabCorp
Classification: Uncertain significance. Last evaluated: 2026-02-12. Review status: criteria provided, single submitter. Criteria: LabCorp Variant Classification Summary - May 2015. Collection method: clinical testing. Allele origin: germline.
Comment: Variant summary: The variant involves the duplication of exons 1-9 in the MDH2 gene. This duplication includes the entire coding sequence of the gene. As exact breakpoints are unknown, it may extend beyond the annotated region of the gene, to include other flanking genes. A presumed nomenclature of c.(?_-56)_(*1099_?)dup has been designated for the purposes of this classification. The variant was absent in 21694 control chromosomes. The available data on variant occurrences in the general population are insufficient to allow any conclusion about variant significance. To our knowledge, no occurrence of c.(?_-56)_(*1099_?)dup in individuals affected with MDH2-related conditions and no experimental evidence demonstrating its impact on protein function have been reported. ClinVar contains an entry for this variant (Variation ID: 2425446). Based on the evidence outlined above, the variant was classified as uncertain significance.